The following is an entry in ClinVar:

ClinVar aggregate classification (germline): Uncertain significance (1 of 4 stars; one submission).

Conditions:
Neuroblastoma, susceptibility to, 3. Also called: ALK-Related Neuroblastic Tumor Susceptibility. Identifiers: Orphanet 635, MedGen C2751681, MONDO:0013083, OMIM 613014.

Submission:

Labcorp Genetics (formerly Invitae), Labcorp
Classification: Uncertain significance for Neuroblastoma, susceptibility to, 3. Last evaluated: 2022-10-13. Review status: criteria provided, single submitter. Criteria: Invitae Variant Classification Sherloc (09022015). Collection method: clinical testing. Allele origin: germline.
Comment: This sequence change replaces phenylalanine, which is neutral and non-polar, with leucine, which is neutral and non-polar, at codon 64 of the ALK protein (p.Phe64Leu). This variant is not present in population databases (gnomAD no frequency). This variant has not been reported in the literature in individuals affected with ALK-related conditions. ClinVar contains an entry for this variant (Variation ID: 1516924). Algorithms developed to predict the effect of missense changes on protein structure and function are either unavailable or do not agree on the potential impact of this missense change (SIFT: "Deleterious"; PolyPhen-2: "Probably Damaging"; Align-GVGD: "Class C0"). In summary, the available evidence is currently insufficient to determine the role of this variant in disease. Therefore, it has been classified as a Variant of Uncertain Significance.

NM_004304.5(ALK):c.192C>G (p.Phe64Leu)

Gene: ALK (ALK receptor tyrosine kinase; minus strand). Cytogenetic location: 2p23.1.
Variant type: single nucleotide variant.
Coding change: c.192C>G on transcript NM_004304.5 (MANE Select); coding-DNA position 192, C replaced by G.
Protein change: p.Phe64Leu; replaces phenylalanine 64 with leucine.
Molecular consequence: missense variant.
Genome position (GRCh38, 1-based): chr2:29,920,468, G>C on the plus strand (C>G on the coding strand, the complement: ALK is on the minus strand). VCF-style: chr2-29920468-G-C. GRCh37 (hg19) VCF-style: chr2-30143334-G-C.
Other names: short protein forms F64L.
Identifiers: ClinVar variation 1516924 (VCV001516924.6), dbSNP rs376663390, ClinGen allele CA346590512.